The following is an entry in ClinVar:

NM_000235.4(LIPA):c.1171A>G (p.Ile391Val)

Gene: LIPA (lipase A, lysosomal acid type; minus strand). Cytogenetic location: 10q23.31.
Variant type: single nucleotide variant.
Coding change: c.1171A>G on transcript NM_000235.4 (MANE Select); coding-DNA position 1171, A replaced by G.
Protein change: p.Ile391Val; replaces isoleucine 391 with valine.
Molecular consequence: missense variant.
Genome position (GRCh38, 1-based): chr10:89,214,857, T>C on the plus strand (A>G on the coding strand, the complement: LIPA is on the minus strand). VCF-style: chr10-89214857-T-C. GRCh37 (hg19) VCF-style: chr10-90974614-T-C.
Other names: c.1171A>G (NM_000235.2); c.1171A>G, p.Ile391Val (NM_001127605.3); c.823A>G, p.Ile275Val (NM_001288979.2); short protein forms I275V, I391V.
Identifiers: ClinVar variation 989895 (VCV000989895.4), dbSNP rs1449941002, ClinGen allele CA377515984.

ClinVar aggregate classification (germline): Uncertain significance. Review status: criteria provided, single submitter (1 of 4 stars). 2 submissions from 2 submitters: Uncertain significance (1). 1 of the submissions does not count toward it. Last evaluated 2023-06-29.

Conditions:
Lysosomal acid lipase deficiency. Also called: Acid cholesteryl ester hydrolase deficiency, type 2. Identifiers: Orphanet 275761, MedGen C5574740, MONDO:0800449, MONDO:0010204.
Cardiovascular phenotype. Identifiers: MedGen CN230736.

Allele frequency attached by ClinVar (database versions not stated): gnomAD exomes below 0.00001; gnomAD 0.00001; TOPMed 0.00001.
gnomAD v4.1: 6 of 1,609,280 alleles (0.00037%); highest among the groups gnomAD compares: East Asian, 0.013%; no homozygotes.

Submissions (2):

Ambry Genetics
Classification: Uncertain significance for Cardiovascular phenotype. Last evaluated: 2023-06-29. Review status: criteria provided, single submitter. Criteria: Ambry Variant Classification Scheme 2023. Collection method: clinical testing. Allele origin: germline.
Comment: The p.I391V variant (also known as c.1171A>G), located in coding exon 9 of the LIPA gene, results from an A to G substitution at nucleotide position 1171. The isoleucine at codon 391 is replaced by valine, an amino acid with highly similar properties. This amino acid position is conserved. In addition, this alteration is predicted to be tolerated by in silico analysis. Since supporting evidence is limited at this time, the clinical significance of this alteration remains unclear.

Natera, Inc.
Classification: Uncertain significance for Lysosomal acid lipase deficiency. Last evaluated: 2020-11-17. Review status: no assertion criteria provided. Collection method: clinical testing. Allele origin: germline. Not counted in ClinVar's aggregate classification.